The following is an entry in ClinVar:

ClinVar aggregate classification (germline): Likely benign. Review status: reviewed by expert panel (3 of 4 stars). 6 submissions from 6 submitters: Likely benign (1). 5 of the submissions do not count toward it. Last evaluated 2017-06-29.

Conditions:
BRCA2-related cancer predisposition. Identifiers: MedGen CN377758, MONDO:0700269.
Hereditary cancer-predisposing syndrome. Also called: Hereditary Cancer Syndrome; Neoplastic Syndromes, Hereditary; Tumor predisposition; Hereditary neoplastic syndrome. Identifiers: Orphanet 140162, MedGen C0027672, MeSH D009386, MONDO:0015356.
Breast-ovarian cancer, familial, susceptibility to, 2 (BROVCA2). Also called: BRCA2 Hereditary Breast and Ovarian Cancer. Identifiers: Orphanet 145, MedGen C2675520, MONDO:0012933, OMIM 612555. Disease mechanism: loss of function.
Hereditary breast ovarian cancer syndrome. Also called: Hereditary breast and/or ovarian cancer syndrome; BRCA1- and BRCA2-Associated Hereditary Breast and Ovarian Cancer; Hereditary breast and ovarian cancer syndrome (HBOC); Hereditary breast and ovarian cancer; Hereditary breast and ovarian cancer syndrome; Breast and ovarian cancer. Identifiers: Orphanet 145, MedGen C0677776, MeSH D061325, MONDO:0003582. Disease mechanism: loss of function.

Allele frequency attached by ClinVar (database versions not stated): gnomAD exomes below 0.00001.
gnomAD v4.1: 3 of 1,609,240 alleles (0.00019%); highest among the groups gnomAD compares: Non-Finnish European, 0.00025%; no homozygotes.

Submissions (6):

Evidence-based Network for the Interpretation of Germline Mutant Alleles (ENIGMA)
Classification: Likely benign for Breast-ovarian cancer, familial, susceptibility to, 2. Last evaluated: 2017-06-29. Review status: reviewed by expert panel. Criteria: ENIGMA BRCA1/2 Classification Criteria (2017-06-29). Collection method: curation. Allele origin: germline.
Comment: Synonymous substitution variant, with low bioinformatic likelihood to result in a splicing aberration (Splicing prior probability 0.02).

Labcorp Genetics (formerly Invitae), Labcorp
Classification: Likely benign for Hereditary breast ovarian cancer syndrome. Last evaluated: 2025-12-17. Review status: criteria provided, single submitter. Criteria: Invitae Variant Classification Sherloc (09022015). Collection method: clinical testing. Allele origin: germline. Not counted in ClinVar's aggregate classification.

Quest Diagnostics Nichols Institute San Juan Capistrano
Classification: Likely benign. Last evaluated: 2025-05-22. Review status: criteria provided, single submitter. Criteria: Quest Diagnostics criteria. Collection method: clinical testing. Allele origin: unknown. Not counted in ClinVar's aggregate classification.

All of Us Research Program, National Institutes of Health
Classification: Likely benign for BRCA2-related cancer predisposition. Last evaluated: 2024-08-06. Review status: criteria provided, single submitter. Criteria: ACMG Guidelines, 2015. Collection method: clinical testing. Allele origin: germline. Inheritance: Autosomal dominant inheritance. Observed: 1 variant allele, 1 heterozygote. Not counted in ClinVar's aggregate classification.
Comment: This study involves interpretation of variants in research participants for the purpose of population health screening. Participant phenotype was not available at the time of variant classification. Additional details can be found in publication PMID: 35346344, PMCID: PMC8962531

Color Diagnostics, LLC DBA Color Health
Classification: Likely benign for Hereditary cancer-predisposing syndrome. Last evaluated: 2017-10-09. Review status: criteria provided, single submitter. Criteria: ACMG Guidelines, 2015. Collection method: clinical testing. Allele origin: germline. Not counted in ClinVar's aggregate classification.

Ambry Genetics
Classification: Likely benign for Hereditary cancer-predisposing syndrome. Last evaluated: 2015-05-20. Review status: criteria provided, single submitter. Criteria: Ambry Variant Classification Scheme 2023. Collection method: clinical testing. Allele origin: germline. Not counted in ClinVar's aggregate classification.

NM_000059.4(BRCA2):c.1851A>G (p.Ser617=)

Gene: BRCA2 (BRCA2 DNA repair associated; plus strand). Cytogenetic location: 13q13.1.
Variant type: single nucleotide variant.
Coding change: c.1851A>G on transcript NM_000059.4 (MANE Select); coding-DNA position 1851, A replaced by G.
Protein change: p.Ser617=; no amino-acid change (serine 617 retained).
Molecular consequence: synonymous variant.
Genome position (GRCh38, 1-based): chr13:32,333,329, A>G. VCF-style: chr13-32333329-A-G. GRCh37 (hg19) VCF-style: chr13-32907466-A-G.
Identifiers: ClinVar variation 231942 (VCV000231942.22), dbSNP rs876658518, ClinGen allele CA10579509.